The following is an entry in ClinVar:

ClinVar aggregate classification (germline): Uncertain significance (1 of 4 stars; one submission).

Conditions:
Epidermolysis bullosa simplex 3, localized or generalized intermediate, with BP230 deficiency (EBS3). Also called: Epidermolysis bullosa simplex due to BP230 deficiency; Epidermolysis bullosa simplex, autosomal recessive 2. Identifiers: Orphanet 412181, MedGen C3809470, MONDO:0014180, OMIM 615425.
Hereditary sensory and autonomic neuropathy type 6. Also called: HSAN VI; Neuropathy, hereditary sensory and autonomic, type VI. Identifiers: Orphanet 314381, MedGen C3539003, MONDO:0013839, OMIM 614653.

Submission:

Labcorp Genetics (formerly Invitae), Labcorp
Classification: Uncertain significance for Epidermolysis bullosa simplex 3, localized or generalized intermediate, with BP230 deficiency; Hereditary sensory and autonomic neuropathy type 6. Last evaluated: 2023-03-04. Review status: criteria provided, single submitter. Criteria: Invitae Variant Classification Sherloc (09022015). Collection method: clinical testing. Allele origin: germline.
Comment: In summary, the available evidence is currently insufficient to determine the role of this variant in disease. Therefore, it has been classified as a Variant of Uncertain Significance. Experimental studies and prediction algorithms are not available or were not evaluated, and the functional significance of this variant is currently unknown. ClinVar contains an entry for this variant (Variation ID: 567980). This variant has not been reported in the literature in individuals affected with DST-related conditions. This variant is present in population databases (no rsID available, gnomAD 0.0009%). This sequence change creates a premature translational stop signal (p.Val2254Cysfs*3) in the DST gene. While this is not anticipated to result in nonsense mediated decay, it is expected to disrupt the last 396 amino acid(s) of the DST protein.

NM_001723.7(DST):c.6758dup (p.Val2254fs)

Gene: DST (dystonin; minus strand). Cytogenetic location: 6p12.1.
Variant type: Duplication.
Coding change: c.6758dup on transcript NM_001723.7 (MANE Plus Clinical); coding-DNA position 6758, one base duplicated (G; older notation c.6758dupG).
Protein change: p.Val2254fs; shifts the reading frame from valine 2254.
Molecular consequence: frameshift variant. On other transcripts: intron variant (10).
Genome position (GRCh38, 1-based): chr6:56,616,709, C duplicated on the plus strand (G on the coding strand, the reverse complement: DST is on the minus strand); the first of 5 consecutive C bases (chr6:56,616,709-56,616,713); duplicating any one gives the same sequence. VCF-style (leftmost placement, unchanged base first): chr6-56616708-A-AC. GRCh37 (hg19) VCF-style: chr6-56481506-A-AC.
Other names: c.6758dupG (NM_001723.5); c.4831-2225dup (NM_001144769.5); c.4930-2225dup (NM_001374722.1, NM_001374736.1); c.4957-2225dup (NM_001374734.1); c.4417-2225dup (NM_001144770.2); c.4297-2225dup (NM_001374730.1, NM_001386100.1, NM_183380.4 and 1 more transcripts); c.3319-2225dup (NM_015548.5); short protein forms V2254fs.
Identifiers: ClinVar variation 567980 (VCV000567980.9), dbSNP rs747370186, ClinGen allele CA567638364.
Genomic context (GRCh38, chr6:56,616,708, plus strand): 5'-CAACCCCTGCTGCAGAGCAATTTCTGGAGGAACACGAATGCCTCTCACAGGGTCAATGAC[A>AC]CCCCCACTGGCAATCTGGGCTTCCAAGATATGTTTACCTTTTTGTCTGTCAAGCATTCTA-3'